The following is an entry in ClinVar:

NM_000136.3(FANCC):c.802T>G (p.Cys268Gly)

Genes: AOPEP (aminopeptidase O (putative); plus strand), FANCC (FA complementation group C; minus strand). Cytogenetic location: 9q22.32.
Variant type: single nucleotide variant.
Coding change: c.802T>G on transcript NM_000136.3 (MANE Select); coding-DNA position 802, T replaced by G.
Protein change: p.Cys268Gly; replaces cysteine 268 with glycine.
Molecular consequence: missense variant.
Genome position (GRCh38, 1-based): chr9:95,135,387, A>C on the plus strand (T>G on the coding strand, the complement: FANCC is on the minus strand). VCF-style: chr9-95135387-A-C. GRCh37 (hg19) VCF-style: chr9-97897669-A-C.
Other names: c.802T>G, p.Cys268Gly (NM_001243743.2, NM_001243744.2); short protein forms C268G.
Identifiers: ClinVar variation 2585988 (VCV002585988.3), dbSNP rs730881718, ClinGen allele CA374109253.
Genomic context (GRCh38, chr9:95,135,387, plus strand): 5'-ATCAAAACCCAGTACGTACCAGCGATGAATCTTTTATAAAGCATTCGATCCTTCTCAGAC[A>C]ATTTCTCTCACTGGAGATTAGCTTTTCAAAAAGATGCAGCATTGCTTTTTCAAGGCTGGG-3'
Protein context (NP_000127.2, residues 258-278): FEKLISSERN[Cys268Gly]LRRIECFIKD

ClinVar aggregate classification (germline): Uncertain significance. Review status: criteria provided, multiple submitters, no conflicts (2 of 4 stars). 2 submissions from 2 submitters: Uncertain significance (2). Last evaluated 2025-10-21.

Conditions:
Hereditary cancer-predisposing syndrome. Also called: Hereditary neoplastic syndrome; Tumor predisposition; Hereditary Cancer Syndrome; Neoplastic Syndromes, Hereditary. Identifiers: Orphanet 140162, MedGen C0027672, MeSH D009386, MONDO:0015356.

Allele frequency attached by ClinVar (database versions not stated): TOPMed below 0.00001.

Submissions (2):

Quest Diagnostics Nichols Institute San Juan Capistrano
Classification: Uncertain significance. Last evaluated: 2025-10-21. Review status: criteria provided, single submitter. Criteria: Quest Diagnostics criteria. Collection method: clinical testing. Allele origin: unknown.
Comment: The FANCC c.802T>G (p.Cys268Gly) variant has not been reported in individuals with FANCC-related conditions in the published literature. This variant has not been reported in large, multi-ethnic general populations (Genome Aggregation Database). Analysis of this variant using bioinformatics tools for the prediction of the effect of amino acid changes on protein structure and function yielded predictions that this variant is benign. Based on the available information, we are unable to determine the clinical significance of this variant.

Ambry Genetics
Classification: Uncertain significance for Hereditary cancer-predisposing syndrome. Last evaluated: 2023-09-01. Review status: criteria provided, single submitter. Criteria: Ambry Variant Classification Scheme 2023. Collection method: clinical testing. Allele origin: germline.
Comment: The p.C268G variant (also known as c.802T>G), located in coding exon 7 of the FANCC gene, results from a T to G substitution at nucleotide position 802. The cysteine at codon 268 is replaced by glycine, an amino acid with highly dissimilar properties. This amino acid position is conserved. In addition, this alteration is predicted to be tolerated by in silico analysis. Since supporting evidence is limited at this time, the clinical significance of this alteration remains unclear.